The following is an entry in ClinVar:

NM_020745.4(AARS2):c.804G>A (p.Met268Ile)

Gene: AARS2 (alanyl-tRNA synthetase 2, mitochondrial; minus strand). Cytogenetic location: 6p21.1.
Variant type: single nucleotide variant.
Coding change: c.804G>A on transcript NM_020745.4 (MANE Select); coding-DNA position 804, G replaced by A.
Protein change: p.Met268Ile; replaces methionine 268 with isoleucine.
Molecular consequence: missense variant.
Genome position (GRCh38, 1-based): chr6:44,310,389, C>T on the plus strand (G>A on the coding strand, the complement: AARS2 is on the minus strand). VCF-style: chr6-44310389-C-T. GRCh37 (hg19) VCF-style: chr6-44278126-C-T.
Other names: short protein forms M268I.
Identifiers: ClinVar variation 2575890 (VCV002575890.2), dbSNP rs1266991544, ClinGen allele CA364340615.

ClinVar aggregate classification (germline): Conflicting classifications of pathogenicity. Review status: criteria provided, conflicting classifications (1 of 4 stars). 2 submissions from 2 submitters: Likely pathogenic (1); Uncertain significance (1). Last evaluated 2022-06-27.

Conditions:
Leukoencephalopathy, progressive, with ovarian failure (LKENP). Identifiers: Orphanet 99853, MedGen C4014588, MONDO:0014387, OMIM 615889.
Combined oxidative phosphorylation defect type 8. Also called: CARDIOMYOPATHY, HYPERTROPHIC MITOCHONDRIAL, FATAL INFANTILE. Identifiers: Orphanet 319504, MedGen C4518839, MONDO:0013570, OMIM 614096.

Submissions (2):

Neurology Laboratory, National Cheng Kung University Hospital
Classification: Likely pathogenic for Leukoencephalopathy, progressive, with ovarian failure. Last evaluated: 2022-06-27. Review status: criteria provided, single submitter. Criteria: ACMG Guidelines, 2015. Collection method: clinical testing. Allele origin: germline. Affected: yes. Observed: 1 variant allele.

Juno Genomics, Hangzhou Juno Genomics, Inc
Classification: Uncertain significance for Combined oxidative phosphorylation defect type 8; Leukoencephalopathy, progressive, with ovarian failure. Review status: criteria provided, single submitter. Criteria: ACMG Guidelines, 2015. Collection method: clinical testing. Allele origin: germline. Affected: yes.
Comment: Absent from controls (or at extremely low frequency if recessive) in Genome Aggregation Database.;Multiple lines of computational evidence support a deleterious effect on the gene or gene product.;For recessive disorders, detected in trans with a pathogenic variant.;Patient's phenotype or family history is highly specific for a disease with a single genetic etiology.